The following is an entry in ClinVar:

NM_024809.5(TCTN2):c.206C>T (p.Pro69Leu)

Gene: TCTN2 (tectonic family member 2; plus strand). Cytogenetic location: 12q24.31.
Variant type: single nucleotide variant.
Coding change: c.206C>T on transcript NM_024809.5 (MANE Select); coding-DNA position 206, C replaced by T.
Protein change: p.Pro69Leu; replaces proline 69 with leucine.
Molecular consequence: missense variant.
Genome position (GRCh38, 1-based): chr12:123,672,071, C>T. VCF-style: chr12-123672071-C-T. GRCh37 (hg19) VCF-style: chr12-124156618-C-T.
Other names: c.206C>T, p.Pro69Leu (NM_001143850.3, NM_001410989.1); short protein forms P69L.
Identifiers: ClinVar variation 2187646 (VCV002187646.4), dbSNP rs769556542, ClinGen allele CA6860822.

ClinVar aggregate classification (germline): Uncertain significance (1 of 4 stars; one submission).

Conditions:
Joubert syndrome. Also called: CEREBELLOPARENCHYMAL DISORDER IV; JOUBERT-BOLTSHAUSER SYNDROME; Familial aplasia of the vermis. Identifiers: Orphanet 475, MedGen C5979921, MONDO:0018772.
Meckel-Gruber syndrome. Also called: DYSENCEPHALIA SPLANCHNOCYSTICA; GRUBER SYNDROME; Dysencephalia splachnocystica. Identifiers: Orphanet 564, MedGen C0265215, MONDO:0018921.

Allele frequency attached by ClinVar (database versions not stated): gnomAD exomes below 0.00001; ExAC 0.00001; gnomAD 0.00001; TOPMed 0.00001.
gnomAD v4.1: 3 of 1,613,946 alleles (0.00019%); highest among the groups gnomAD compares: East Asian, 0.0022%; no homozygotes.

Submission:

Labcorp Genetics (formerly Invitae), Labcorp
Classification: Uncertain significance for Joubert syndrome; Meckel-Gruber syndrome. Last evaluated: 2024-10-25. Review status: criteria provided, single submitter. Criteria: Invitae Variant Classification Sherloc (09022015). Collection method: clinical testing. Allele origin: germline.
Comment: This sequence change replaces proline, which is neutral and non-polar, with leucine, which is neutral and non-polar, at codon 69 of the TCTN2 protein (p.Pro69Leu). This variant is present in population databases (rs769556542, gnomAD 0.005%). This variant has not been reported in the literature in individuals affected with TCTN2-related conditions. ClinVar contains an entry for this variant (Variation ID: 2187646). Invitae Evidence Modeling of protein sequence and biophysical properties (such as structural, functional, and spatial information, amino acid conservation, physicochemical variation, residue mobility, and thermodynamic stability) indicates that this missense variant is not expected to disrupt TCTN2 protein function with a negative predictive value of 80%. In summary, the available evidence is currently insufficient to determine the role of this variant in disease. Therefore, it has been classified as a Variant of Uncertain Significance.